The following is an entry in ClinVar:

ClinVar aggregate classification (germline): Uncertain significance. Review status: criteria provided, multiple submitters, no conflicts (2 of 4 stars). 3 submissions from 3 submitters: Uncertain significance (3). Last evaluated 2024-03-05.

Allele frequency attached by ClinVar (database versions not stated): 1000 Genomes Project 0.00060; 1000 Genomes Project 30x 0.00047; ESP Exome Variant Server 0.00062.
gnomAD v4.1: 987 of 1,613,948 alleles (0.061%); highest among the groups gnomAD compares: Non-Finnish European, 0.076%; no homozygotes.

Submissions (3):

GeneDx
Classification: Uncertain significance. Last evaluated: 2024-03-05. Review status: criteria provided, single submitter. Criteria: GeneDx Variant Classification Process June 2021. Collection method: clinical testing. Allele origin: germline. Affected: yes.
Comment: In silico analysis supports that this missense variant has a deleterious effect on protein structure/function; Has not been previously published as pathogenic or benign to our knowledge

Labcorp Genetics (formerly Invitae), Labcorp
Classification: Uncertain significance. Last evaluated: 2022-05-13. Review status: criteria provided, single submitter. Criteria: Invitae Variant Classification Sherloc (09022015). Collection method: clinical testing. Allele origin: germline.
Comment: This sequence change replaces glycine, which is neutral and non-polar, with serine, which is neutral and polar, at codon 338 of the FAM20A protein (p.Gly338Ser). This variant is present in population databases (rs35871101, gnomAD 0.08%). This variant has not been reported in the literature in individuals affected with FAM20A-related conditions. Algorithms developed to predict the effect of missense changes on protein structure and function (SIFT, PolyPhen-2, Align-GVGD) all suggest that this variant is likely to be disruptive. In summary, the available evidence is currently insufficient to determine the role of this variant in disease. Therefore, it has been classified as a Variant of Uncertain Significance.

Breakthrough Genomics
Classification: Uncertain significance. Review status: criteria provided, single submitter. Criteria: ACMG Guidelines, 2015. Collection method: not provided. Allele origin: germline. Inheritance: Autosomal recessive inheritance. Affected: yes.

NM_017565.4(FAM20A):c.1012G>A (p.Gly338Ser)

Genes: FAM20A (FAM20A golgi associated secretory pathway pseudokinase; minus strand), PRKAR1A (protein kinase cAMP-dependent type I regulatory subunit alpha; plus strand). Cytogenetic location: 17q24.2.
Variant type: single nucleotide variant.
Coding change: c.1012G>A on transcript NM_017565.4 (MANE Select); coding-DNA position 1012, G replaced by A.
Protein change: p.Gly338Ser; replaces glycine 338 with serine.
Molecular consequence: missense variant. On other transcripts: non-coding transcript variant (1), intron variant (1).
Genome position (GRCh38, 1-based): chr17:68,542,082, C>T on the plus strand (G>A on the coding strand, the complement: FAM20A is on the minus strand). VCF-style: chr17-68542082-C-T. GRCh37 (hg19) VCF-style: chr17-66538223-C-T.
Other names: c.598G>A, p.Gly200Ser (NM_001243746.2); c.974-9002C>T (NM_001276290.1); short protein forms G338S, G200S.
Identifiers: ClinVar variation 1365049 (VCV001365049.8), dbSNP rs35871101, ClinGen allele CA8729838.